The following is an entry in ClinVar:

NM_001211.6(BUB1B):c.2537A>T (p.Asp846Val)

Gene: BUB1B (BUB1 mitotic checkpoint serine/threonine kinase B; plus strand). Cytogenetic location: 15q15.1.
Variant type: single nucleotide variant.
Coding change: c.2537A>T on transcript NM_001211.6 (MANE Select); coding-DNA position 2537, A replaced by T.
Protein change: p.Asp846Val; replaces aspartic acid 846 with valine.
Molecular consequence: missense variant.
Genome position (GRCh38, 1-based): chr15:40,213,333, A>T. VCF-style: chr15-40213333-A-T. GRCh37 (hg19) VCF-style: chr15-40505534-A-T.
Other names: short protein forms D846V.
Identifiers: ClinVar variation 1792769 (VCV001792769.3), dbSNP rs1334935219, ClinGen allele CA391685897.

ClinVar aggregate classification (germline): Uncertain significance. Review status: criteria provided, multiple submitters, no conflicts (2 of 4 stars). 2 submissions from 2 submitters: Uncertain significance (2). Last evaluated 2025-07-30.

Conditions:
Inborn genetic diseases. Identifiers: MedGen C0950123, MeSH D030342.
Mosaic variegated aneuploidy syndrome 1 (MVA1). Also called: Warburton-Anyane-Yeboa syndrome. Identifiers: Orphanet 1052, MedGen C1850343, MONDO:0009759, OMIM 257300.

Allele frequency attached by ClinVar (database versions not stated): gnomAD 0.00001; gnomAD exomes 0.00001.
gnomAD v4.1: 9 of 1,613,636 alleles (0.00056%); highest among the groups gnomAD compares: Non-Finnish European, 0.00076%; no homozygotes.

Submissions (2):

Labcorp Genetics (formerly Invitae), Labcorp
Classification: Uncertain significance for Mosaic variegated aneuploidy syndrome 1. Last evaluated: 2025-07-30. Review status: criteria provided, single submitter. Criteria: Invitae Variant Classification Sherloc (09022015). Collection method: clinical testing. Allele origin: germline.
Comment: This sequence change replaces aspartic acid, which is acidic and polar, with valine, which is neutral and non-polar, at codon 846 of the BUB1B protein (p.Asp846Val). This variant is present in population databases (no rsID available, gnomAD 0.007%). This variant has not been reported in the literature in individuals affected with BUB1B-related conditions. ClinVar contains an entry for this variant (Variation ID: 1792769). An algorithm developed to predict the effect of missense changes on protein structure and function (PolyPhen-2) suggests that this variant is likely to be disruptive. In summary, the available evidence is currently insufficient to determine the role of this variant in disease. Therefore, it has been classified as a Variant of Uncertain Significance.

Ambry Genetics
Classification: Uncertain significance for Inborn genetic diseases. Last evaluated: 2021-07-31. Review status: criteria provided, single submitter. Criteria: Ambry Variant Classification Scheme 2023. Collection method: clinical testing. Allele origin: germline.
Comment: The p.D846V variant (also known as c.2537A>T), located in coding exon 20 of the BUB1B gene, results from an A to T substitution at nucleotide position 2537. The aspartic acid at codon 846 is replaced by valine, an amino acid with highly dissimilar properties. This amino acid position is conserved. In addition, the in silico prediction for this alteration is inconclusive. Since supporting evidence is limited at this time, the clinical significance of this alteration remains unclear.